The following is an entry in ClinVar:

ClinVar aggregate classification (germline): Uncertain significance (1 of 4 stars; one submission).

Allele frequency attached by ClinVar (database versions not stated): ExAC 0.00001; gnomAD exomes 0.00001.
gnomAD v4.1: 14 of 1,613,388 alleles (0.00087%); highest among the groups gnomAD compares: Non-Finnish European, 0.0012%; no homozygotes.

Submission:

Labcorp Genetics (formerly Invitae), Labcorp
Classification: Uncertain significance. Last evaluated: 2022-03-17. Review status: criteria provided, single submitter. Criteria: Invitae Variant Classification Sherloc (09022015). Collection method: clinical testing. Allele origin: germline.
Comment: In summary, the available evidence is currently insufficient to determine the role of this variant in disease. Therefore, it has been classified as a Variant of Uncertain Significance. Algorithms developed to predict the effect of missense changes on protein structure and function (SIFT, PolyPhen-2, Align-GVGD) all suggest that this variant is likely to be tolerated. This variant has not been reported in the literature in individuals affected with IFT74-related conditions. This variant is present in population databases (rs768033736, gnomAD 0.0009%). This sequence change replaces alanine, which is neutral and non-polar, with glycine, which is neutral and non-polar, at codon 68 of the IFT74 protein (p.Ala68Gly).

NM_025103.4(IFT74):c.203C>G (p.Ala68Gly)

Gene: IFT74 (intraflagellar transport 74; plus strand). Cytogenetic location: 9p21.2.
Variant type: single nucleotide variant.
Coding change: c.203C>G on transcript NM_025103.4 (MANE Select); coding-DNA position 203, C replaced by G.
Protein change: p.Ala68Gly; replaces alanine 68 with glycine.
Molecular consequence: missense variant.
Genome position (GRCh38, 1-based): chr9:26,978,210, C>G. VCF-style: chr9-26978210-C-G. GRCh37 (hg19) VCF-style: chr9-26978208-C-G.
Other names: c.203C>G, p.Ala68Gly (NM_001099222.3, NM_001099223.3, NM_001099224.3 and 1 more transcripts); short protein forms A68G.
Identifiers: ClinVar variation 1494643 (VCV001494643.6), dbSNP rs768033736, ClinGen allele CA5014847.